The following is an entry in ClinVar:

NM_001370259.2(MEN1):c.500C>A (p.Ala167Asp)

Gene: MEN1 (menin 1; minus strand). Cytogenetic location: 11q13.1.
Variant type: single nucleotide variant.
Coding change: c.500C>A on transcript NM_001370259.2 (MANE Select); coding-DNA position 500, C replaced by A.
Protein change: p.Ala167Asp; replaces alanine 167 with aspartic acid.
Molecular consequence: missense variant.
Genome position (GRCh38, 1-based): chr11:64,808,045, G>T on the plus strand (C>A on the coding strand, the complement: MEN1 is on the minus strand). VCF-style: chr11-64808045-G-T. GRCh37 (hg19) VCF-style: chr11-64575517-G-T.
Other names: c.515C>A, p.Ala172Asp (NM_000244.4, NM_130800.3, NM_130801.3 and 3 more transcripts); c.500C>A, p.Ala167Asp (NM_001370251.2, NM_001370260.2, NM_001370261.2 and 3 more transcripts); short protein forms A167D, A172D.
Identifiers: ClinVar variation 825369 (VCV000825369.5), dbSNP rs200432722, ClinGen allele CA381186065.

ClinVar aggregate classification (germline): Uncertain significance (1 of 4 stars; one submission).

Conditions:
Hereditary cancer-predisposing syndrome. Also called: Neoplastic Syndromes, Hereditary; Tumor predisposition; Hereditary neoplastic syndrome; Hereditary Cancer Syndrome. Identifiers: Orphanet 140162, MedGen C0027672, MeSH D009386, MONDO:0015356.

Submission:

Ambry Genetics
Classification: Uncertain significance for Hereditary cancer-predisposing syndrome. Last evaluated: 2018-09-10. Review status: criteria provided, single submitter. Criteria: Ambry Variant Classification Scheme 2023. Collection method: clinical testing. Allele origin: germline.
Comment: The p.A167D variant (also known as c.500C>A), located in coding exon 2 of the MEN1 gene, results from a C to A substitution at nucleotide position 500. The alanine at codon 167 is replaced by aspartic acid, an amino acid with dissimilar properties. This amino acid position is well conserved in available vertebrate species. In addition, this alteration is predicted to be deleterious by in silico analysis. Since supporting evidence is limited at this time, the clinical significance of this alteration remains unclear.